The following is an entry in ClinVar:

ClinVar aggregate classification (germline): Uncertain significance (1 of 4 stars; one submission).

Allele frequency attached by ClinVar (database versions not stated): TOPMed below 0.00001; gnomAD 0.00001.
gnomAD v4.1: 1 of 1,551,026 alleles (0.000064%); highest among the groups gnomAD compares: Non-Finnish European, 0.000087%; no homozygotes.

Submission:

Labcorp Genetics (formerly Invitae), Labcorp
Classification: Uncertain significance. Last evaluated: 2023-09-24. Review status: criteria provided, single submitter. Criteria: Invitae Variant Classification Sherloc (09022015). Collection method: clinical testing. Allele origin: germline.
Comment: This sequence change replaces serine, which is neutral and polar, with glycine, which is neutral and non-polar, at codon 1303 of the TET2 protein (p.Ser1303Gly). This variant is not present in population databases (gnomAD no frequency). This variant has not been reported in the literature in individuals affected with TET2-related conditions. An algorithm developed to predict the effect of missense changes on protein structure and function (PolyPhen-2) suggests that this variant is likely to be disruptive. In summary, the available evidence is currently insufficient to determine the role of this variant in disease. Therefore, it has been classified as a Variant of Uncertain Significance.

NM_001127208.3(TET2):c.3907A>G (p.Ser1303Gly)

Genes: TET2 (tet methylcytosine dioxygenase 2; plus strand), TET2-AS1 (TET2 antisense RNA 1; minus strand). Cytogenetic location: 4q24.
Variant type: single nucleotide variant.
Coding change: c.3907A>G on transcript NM_001127208.3 (MANE Select); coding-DNA position 3907, A replaced by G.
Protein change: p.Ser1303Gly; replaces serine 1303 with glycine.
Molecular consequence: missense variant.
Genome position (GRCh38, 1-based): chr4:105,259,722, A>G. VCF-style: chr4-105259722-A-G. GRCh37 (hg19) VCF-style: chr4-106180879-A-G.
Other names: short protein forms S1303G.
Identifiers: ClinVar variation 2763169 (VCV002763169.3), dbSNP rs1490671257, ClinGen allele CA357807305.
Genomic context (GRCh38, chr4:105,259,722, plus strand): 5'-GCCTCCTTCTCTTTTGGTTGTTCATGGAGCATGTACTACAATGGATGTAAGTTTGCCAGA[A>G]GCAAGATCCCAAGGAAGTTTAAGCTGCTTGGGGATGACCCAAAAGAGGTTTGTTTACTTC-3'
Protein context (NP_001120680.1, residues 1293-1313): MYYNGCKFAR[Ser1303Gly]KIPRKFKLLG